The following is an entry in ClinVar:

NM_001267550.2(TTN):c.13141G>T (p.Glu4381Ter)

Gene: TTN (titin; minus strand). Cytogenetic location: 2q31.2.
Variant type: single nucleotide variant.
Coding change: c.13141G>T on transcript NM_001267550.2 (MANE Select); coding-DNA position 13141, G replaced by T.
Protein change: p.Glu4381Ter; replaces glutamic acid 4381 with a stop codon.
Molecular consequence: nonsense. On other transcripts: intron variant (1).
Genome position (GRCh38, 1-based): chr2:178,740,092, C>A on the plus strand (G>T on the coding strand, the complement: TTN is on the minus strand). VCF-style: chr2-178740092-C-A. GRCh37 (hg19) VCF-style: chr2-179604819-C-A.
Other names: c.12190G>T, p.Glu4064Ter (NM_001256850.1); c.12052G>T, p.Glu4018Ter (NM_003319.4); c.12427G>T, p.Glu4143Ter (NM_133432.3); c.12628G>T, p.Glu4210Ter (NM_133437.4); c.10361-1732G>T (NM_133378.4); short protein forms E4018*, E4064*, E4143*, E4210*, E4381*.
Identifiers: ClinVar variation 3340251 (VCV003340251.1).

ClinVar aggregate classification (germline): Likely pathogenic (1 of 4 stars; one submission).

Submission:

GeneDx
Classification: Likely pathogenic. Last evaluated: 2023-09-12. Review status: criteria provided, single submitter. Criteria: GeneDx Variant Classification Process June 2021. Collection method: clinical testing. Allele origin: germline. Affected: yes.
Comment: Identified in a proband with DCM plus right ventricular dilation and dysfunction who underwent heart transplantation and has an additional likely pathogenic variant in TNNT2; both variants were also present in a sibling with DCM and a nephew with borderline DCM (Cuenca et al., 2016); Not observed at significant frequency in large population cohorts (gnomAD); This variant is associated with the following publications: (PMID: 26899768)